The following is an entry in ClinVar:

NM_145649.5(GCNT2):c.926-34886T>G

Gene: GCNT2 (glucosaminyl (N-acetyl) transferase 2 (I blood group); plus strand). Cytogenetic location: 6p24.3.
Variant type: single nucleotide variant.
Coding change: c.926-34886T>G on transcript NM_145649.5 (MANE Select); 34886 bases into the intron before coding-DNA position 926, T replaced by G.
Molecular consequence: intron variant. On other transcripts: missense variant (1).
Genome position (GRCh38, 1-based): chr6:10,586,465, T>G. VCF-style: chr6-10586465-T-G. GRCh37 (hg19) VCF-style: chr6-10586698-T-G.
Other names: c.476T>G, p.Val159Gly (NM_145655.4); c.926-34886T>G (NM_001374747.1); c.919+29123T>G (NM_001491.3); short protein forms V159G.
Identifiers: ClinVar variation 3357594 (VCV003357594.1).
Genomic context (GRCh38, chr6:10,586,465, plus strand): 5'-CTGTGAGGCAGTTACTGAGTTGCTTCCAAAATGCTTTCATTGCTTCAAAGACAGAGTCTG[T>G]GGTTTATGCAGGCATTTCCAGACTCCAGGCTGACCTGAACTGTCTGAAAGACCTTGTCGC-3'

ClinVar aggregate classification (germline): Uncertain significance (0 of 4 stars; one submission).

Conditions:
GCNT2-related disorder. Also called: GCNT2-related condition.

Submission:

PreventionGenetics, part of Exact Sciences
Classification: Uncertain significance for GCNT2-related condition. Last evaluated: 2024-05-14. Review status: no assertion criteria provided. Collection method: clinical testing. Allele origin: germline.
Comment: The GCNT2 c.476T>G variant is predicted to result in the amino acid substitution p.Val159Gly. In the tissue specific GCNT2 transcript found within the lens of the eye (NM_001491.2), this variant is found within an intronic region (c.919+29123T>G). To our knowledge, this variant has not been reported in the literature or in a large population database, indicating this variant is rare. At this time, the clinical significance of this variant is uncertain due to the absence of conclusive functional and genetic evidence.